The following is an entry in ClinVar:

ClinVar aggregate classification (germline): Uncertain significance (1 of 4 stars; one submission).

Conditions:
Developmental and epileptic encephalopathy, 27 (DEE27). Also called: Epileptic encephalopathy, early infantile, 27; GRIN2B-Related Neurodevelopmental Disorder. Identifiers: Orphanet 3451, MedGen C4015316, MONDO:0014505, OMIM 616139.
Intellectual developmental disorder, autosomal dominant 6, with or without seizures. Also called: Intellectual disability, autosomal dominant 6; GRIN2B-related developmental delay, intellectual disability and autism spectrum disorder. Identifiers: Orphanet 589547, MedGen C3151411, MONDO:0013509, OMIM 613970.

gnomAD v4.1: 2 of 1,614,044 alleles (0.00012%); highest among the groups gnomAD compares: Non-Finnish European, 0.00017%; no homozygotes.

Submission:

Labcorp Genetics (formerly Invitae), Labcorp
Classification: Uncertain significance for Developmental and epileptic encephalopathy, 27; Intellectual developmental disorder, autosomal dominant 6, with or without seizures. Last evaluated: 2024-02-18. Review status: criteria provided, single submitter. Criteria: Invitae Variant Classification Sherloc (09022015). Collection method: clinical testing. Allele origin: germline.
Comment: This sequence change replaces glycine, which is neutral and non-polar, with serine, which is neutral and polar, at codon 1467 of the GRIN2B protein (p.Gly1467Ser). This variant is not present in population databases (gnomAD no frequency). This variant has not been reported in the literature in individuals affected with GRIN2B-related conditions. Advanced modeling of protein sequence and biophysical properties (such as structural, functional, and spatial information, amino acid conservation, physicochemical variation, residue mobility, and thermodynamic stability) performed at Invitae indicates that this missense variant is not expected to disrupt GRIN2B protein function with a negative predictive value of 95%. In summary, the available evidence is currently insufficient to determine the role of this variant in disease. Therefore, it has been classified as a Variant of Uncertain Significance.

NM_000834.5(GRIN2B):c.4399G>A (p.Gly1467Ser)

Gene: GRIN2B (glutamate ionotropic receptor NMDA type subunit 2B; minus strand). Cytogenetic location: 12p13.1.
Variant type: single nucleotide variant.
Coding change: c.4399G>A on transcript NM_000834.5 (MANE Select); coding-DNA position 4399, G replaced by A.
Protein change: p.Gly1467Ser; replaces glycine 1467 with serine.
Molecular consequence: missense variant.
Genome position (GRCh38, 1-based): chr12:13,562,839, C>T on the plus strand (G>A on the coding strand, the complement: GRIN2B is on the minus strand). VCF-style: chr12-13562839-C-T. GRCh37 (hg19) VCF-style: chr12-13715773-C-T.
Other names: c.4399G>A, p.Gly1467Ser (NM_001413992.1); short protein forms G1467S.
Identifiers: ClinVar variation 3762465 (VCV003762465.2).